The following is an entry in ClinVar:

ClinVar aggregate classification (germline): Likely benign. Review status: criteria provided, multiple submitters, no conflicts (2 of 4 stars). 2 submissions from 2 submitters: Likely benign (2). Last evaluated 2023-05-04.

Conditions:
Arrhythmogenic right ventricular cardiomyopathy (ARVD). Also called: Cardiomyopathy, ARVC; Arrhythmogenic right ventricular dysplasia; Arrhythmogenic Right Ventricular Cardiomyopathy (ARVC); Arrhythmogenic cardiomyopathy. Identifiers: Orphanet 247, MedGen C0349788, MeSH D019571, MONDO:0016587. Disease mechanism: loss of function. Inheritance: Various modes of inheritance.
Arrhythmogenic right ventricular dysplasia 9 (ARVD9). Also called: Arrhythmogenic Right Ventricular Dysplasia/Cardiomyopathy 9; ARRHYTHMOGENIC RIGHT VENTRICULAR DYSPLASIA, FAMILIAL, 9. Identifiers: MedGen C1836906, MONDO:0012180, OMIM 609040.

Submissions (2):

All of Us Research Program, National Institutes of Health
Classification: Likely benign for Arrhythmogenic right ventricular cardiomyopathy. Last evaluated: 2023-05-04. Review status: criteria provided, single submitter. Criteria: ACMG Guidelines, 2015. Collection method: clinical testing. Allele origin: germline. Inheritance: Autosomal dominant inheritance. Observed: 1 variant allele, 1 heterozygote.
Comment: This study involves interpretation of variants in research participants for the purpose of population health screening. Participant phenotype was not available at the time of variant classification. Additional details can be found in publication PMID: 35346344, PMCID: PMC8962531

Labcorp Genetics (formerly Invitae), Labcorp
Classification: Likely benign for Arrhythmogenic right ventricular dysplasia 9. Last evaluated: 2021-06-28. Review status: criteria provided, single submitter. Criteria: Invitae Variant Classification Sherloc (09022015). Collection method: clinical testing. Allele origin: germline.

NM_001005242.3(PKP2):c.972G>T (p.Ala324=)

Gene: PKP2 (plakophilin 2; minus strand). Cytogenetic location: 12p11.21.
Variant type: single nucleotide variant.
Coding change: c.972G>T on transcript NM_001005242.3 (MANE Select); coding-DNA position 972, G replaced by T.
Protein change: p.Ala324=; no amino-acid change (alanine 324 retained).
Molecular consequence: synonymous variant.
Genome position (GRCh38, 1-based): chr12:32,877,908, C>A on the plus strand (G>T on the coding strand, the complement: PKP2 is on the minus strand). VCF-style: chr12-32877908-C-A. GRCh37 (hg19) VCF-style: chr12-33030842-C-A.
Other names: c.972G>T, p.Ala324= (NM_004572.4).
Identifiers: ClinVar variation 1462142 (VCV001462142.9), dbSNP rs142636176, ClinGen allele CA479387012.